The following is an entry in ClinVar:

ClinVar aggregate classification (germline): Uncertain significance. Review status: criteria provided, multiple submitters, no conflicts (2 of 4 stars). 2 submissions from 2 submitters: Uncertain significance (2). Last evaluated 2024-06-15.

Conditions:
Familial hemophagocytic lymphohistiocytosis 3 (FHL3). Also called: UNC13D-Related Familial Hemophagocytic Lymphohistiocytosis (UNC13D-fHLH). Identifiers: Orphanet 540, MedGen C1837174, MONDO:0012146, OMIM 608898.

Allele frequency attached by ClinVar (database versions not stated): TOPMed 0.00006; ESP Exome Variant Server 0.00008; 1000 Genomes Project 30x 0.00016; 1000 Genomes Project 0.00020.
gnomAD v4.1: 44 of 1,613,950 alleles (0.0027%); highest among the groups gnomAD compares: East Asian, 0.058%; no homozygotes.

Submissions (2):

GeneDx
Classification: Uncertain significance. Last evaluated: 2024-06-15. Review status: criteria provided, single submitter. Criteria: GeneDx Variant Classification Process June 2021. Collection method: clinical testing. Allele origin: germline. Affected: yes.
Comment: In silico analysis indicates that this missense variant does not alter protein structure/function; This variant is associated with the following publications: (PMID: 34170459, 29665027, 33867526, 30220951)

Labcorp Genetics (formerly Invitae), Labcorp
Classification: Uncertain significance for Familial hemophagocytic lymphohistiocytosis 3. Last evaluated: 2022-08-19. Review status: criteria provided, single submitter. Criteria: Invitae Variant Classification Sherloc (09022015). Collection method: clinical testing. Allele origin: germline.
Comment: This sequence change replaces arginine, which is basic and polar, with leucine, which is neutral and non-polar, at codon 536 of the UNC13D protein (p.Arg536Leu). This variant is present in population databases (rs143305366, gnomAD 0.006%). This missense change has been observed in individual(s) with clinical features of Hemophagocytic lymphohistiocytosis (PMID: 29665027, 30220951). ClinVar contains an entry for this variant (Variation ID: 464452). Algorithms developed to predict the effect of missense changes on protein structure and function are either unavailable or do not agree on the potential impact of this missense change (SIFT: "Not Available"; PolyPhen-2: "Benign"; Align-GVGD: "Not Available"). In summary, the available evidence is currently insufficient to determine the role of this variant in disease. Therefore, it has been classified as a Variant of Uncertain Significance.

Literature cited by the submitters: PubMed 29665027 (cited by Labcorp Genetics (formerly Invitae), Labcorp); PubMed 30220951 (cited by Labcorp Genetics (formerly Invitae), Labcorp).

NM_199242.3(UNC13D):c.1607G>T (p.Arg536Leu)

Gene: UNC13D (unc-13 homolog D; minus strand). Cytogenetic location: 17q25.1.
Variant type: single nucleotide variant.
Coding change: c.1607G>T on transcript NM_199242.3 (MANE Select); coding-DNA position 1607, G replaced by T.
Protein change: p.Arg536Leu; replaces arginine 536 with leucine.
Molecular consequence: missense variant.
Genome position (GRCh38, 1-based): chr17:75,835,767, C>A on the plus strand (G>T on the coding strand, the complement: UNC13D is on the minus strand). VCF-style: chr17-75835767-C-A. GRCh37 (hg19) VCF-style: chr17-73831848-C-A.
Other names: short protein forms R536L.
Identifiers: ClinVar variation 464452 (VCV000464452.7), dbSNP rs143305366, ClinGen allele CA8772874.